The following is an entry in ClinVar:

ClinVar aggregate classification (germline): Uncertain significance (1 of 4 stars; one submission).

Submission:

GeneDx
Classification: Uncertain significance. Last evaluated: 2024-01-19. Review status: criteria provided, single submitter. Criteria: GeneDx Variant Classification Process June 2021. Collection method: clinical testing. Allele origin: germline. Affected: yes.
Comment: Not observed at significant frequency in large population cohorts (gnomAD); In silico analysis supports that this missense variant does not alter protein structure/function; Has not been previously published as pathogenic or benign to our knowledge

NM_007129.5(ZIC2):c.379G>C (p.Gly127Arg)

Gene: ZIC2 (Zic family member 2; plus strand). Cytogenetic location: 13q32.3.
Variant type: single nucleotide variant.
Coding change: c.379G>C on transcript NM_007129.5 (MANE Select); coding-DNA position 379, G replaced by C.
Protein change: p.Gly127Arg; replaces glycine 127 with arginine.
Molecular consequence: missense variant.
Genome position (GRCh38, 1-based): chr13:99,982,443, G>C. VCF-style: chr13-99982443-G-C. GRCh37 (hg19) VCF-style: chr13-100634697-G-C.
Other names: short protein forms G127R.
Identifiers: ClinVar variation 3367931 (VCV003367931.1).